The following is an entry in ClinVar:

ClinVar aggregate classification (germline): Pathogenic. Review status: criteria provided, multiple submitters, no conflicts (2 of 4 stars). 2 submissions from 2 submitters: Pathogenic (2). Last evaluated 2017-09-13.

Conditions:
Inborn genetic diseases. Identifiers: MedGen C0950123, MeSH D030342.

Submissions (2):

GeneDx
Classification: Pathogenic. Last evaluated: 2017-09-13. Review status: criteria provided, single submitter. Criteria: GeneDx Variant Classification (06012015). Collection method: clinical testing. Allele origin: germline. Affected: yes.
Comment: The c.1769+1G>A variant in the DDX3X gene has not been reported previously as a pathogenic variant nor as a benign variant, to our knowledge. This splice site variant destroys the canonical splice donor site in intron 15. It is predicted to cause abnormal gene splicing, either leading to an abnormal message that is subject to nonsense-mediated mRNA decay, or to an abnormal protein product if the message is used for protein translation. The c.1769+1G>A variant is not observed in large population cohorts (Lek et al., 2016; 1000 Genomes Consortium et al., 2015; Exome Variant Server). We interpret c.1769+1G>A as a pathogenic variant.

Ambry Genetics
Classification: Pathogenic for Inborn genetic diseases. Last evaluated: 2017-04-04. Review status: criteria provided, single submitter. Criteria: Ambry exome assertion method (8-5-2015). Collection method: clinical testing. Allele origin: germline. Affected: yes. Observed: 1 variant allele.

NM_001356.5(DDX3X):c.1769+1G>A

Gene: DDX3X (DEAD-box helicase 3 X-linked; plus strand). Cytogenetic location: Xp11.4.
Variant type: single nucleotide variant.
Coding change: c.1769+1G>A on transcript NM_001356.5 (MANE Select); the canonical splice donor site of the intron after coding-DNA position 1769, G replaced by A.
Molecular consequence: splice donor variant.
Genome position (GRCh38, 1-based): chrX:41,347,013, G>A. VCF-style: chrX-41347013-G-A. GRCh37 (hg19) VCF-style: chrX-41206266-G-A.
Other names: c.1769+1G>A (NM_001193416.3); c.1721+1G>A (NM_001193417.3); c.1211+1G>A (NM_001363819.1).
Identifiers: ClinVar variation 451776 (VCV000451776.5), dbSNP rs1555954414, ClinGen allele CA412778384.
Genomic context (GRCh38, chrX:41,347,013, plus strand): 5'-GTTAGAAAACATGGCTTATGAACACCACTACAAGGGTAGCAGTCGTGGACGTTCTAAGAG[G>A]TGAGGTATAAATAGTATATAATGAGGGGAATGGGTGTTCACTTACAGTTCATAGTGTTTC-3'